The following is an entry in ClinVar:

ClinVar aggregate classification (germline): Uncertain significance (1 of 4 stars; one submission).

Submission:

GeneDx
Classification: Uncertain significance. Last evaluated: 2023-04-10. Review status: criteria provided, single submitter. Criteria: GeneDx Variant Classification Process June 2021. Collection method: clinical testing. Allele origin: germline. Affected: yes.
Comment: Not observed at significant frequency in large population cohorts (gnomAD); In silico analysis supports that this missense variant does not alter protein structure/function; Has not been previously published as pathogenic or benign to our knowledge

NM_014633.5(CTR9):c.13T>C (p.Ser5Pro)

Gene: CTR9 (CTR9 homolog, Paf1/RNA polymerase II complex component; plus strand). Cytogenetic location: 11p15.4.
Variant type: single nucleotide variant.
Coding change: c.13T>C on transcript NM_014633.5 (MANE Select); coding-DNA position 13, T replaced by C.
Protein change: p.Ser5Pro; replaces serine 5 with proline.
Molecular consequence: missense variant.
Genome position (GRCh38, 1-based): chr11:10,751,425, T>C. VCF-style: chr11-10751425-T-C. GRCh37 (hg19) VCF-style: chr11-10772972-T-C.
Other names: c.13T>C, p.Ser5Pro (NM_001346279.2); short protein forms S5P.
Identifiers: ClinVar variation 2662584 (VCV002662584.1), dbSNP rs2539365137, ClinGen allele CA379674643.